The following is an entry in ClinVar:

NM_000417.3(IL2RA):c.748C>T (p.Leu250=)

Gene: IL2RA (interleukin 2 receptor subunit alpha; minus strand). Cytogenetic location: 10p15.1.
Variant type: single nucleotide variant.
Coding change: c.748C>T on transcript NM_000417.3 (MANE Select); coding-DNA position 748, C replaced by T.
Protein change: p.Leu250=; no amino-acid change (leucine 250 retained).
Molecular consequence: synonymous variant.
Genome position (GRCh38, 1-based): chr10:6,018,099, G>A on the plus strand (C>T on the coding strand, the complement: IL2RA is on the minus strand). VCF-style: chr10-6018099-G-A. GRCh37 (hg19) VCF-style: chr10-6060062-G-A.
Other names: c.532C>T, p.Leu178= (NM_001308242.2); c.460C>T, p.Leu154= (NM_001308243.2).
Identifiers: ClinVar variation 3342148 (VCV003342148.16).

ClinVar aggregate classification (germline): Likely benign (1 of 4 stars; one submission).

Submission:

CeGaT Center for Human Genetics Tuebingen
Classification: Likely benign. Last evaluated: 2024-08-01. Review status: criteria provided, single submitter. Criteria: CeGaT Center For Human Genetics Tuebingen Variant Classification Criteria Version 2. Collection method: clinical testing. Allele origin: germline. Affected: yes. Observed: 1 variant allele.
Comment: IL2RA: BP4, BP7